The following is an entry in ClinVar:

NM_003998.4(NFKB1):c.1853_1854del (p.Ser618fs)

Gene: NFKB1 (nuclear factor kappa B subunit 1; plus strand). Cytogenetic location: 4q24.
Variant type: Microsatellite.
Coding change: c.1853_1854del on transcript NM_003998.4 (MANE Select); coding-DNA positions 1853 to 1854, 2 bases deleted (CT; older notation c.1853_1854delCT).
Protein change: p.Ser618fs; shifts the reading frame from serine 618.
Molecular consequence: frameshift variant.
Genome position (GRCh38, 1-based): chr4:102,606,596-102,606,597, CT deleted; deleting any 2 consecutive bases within chr4:102,606,594-102,606,597 gives the same sequence; the c. name uses the placement nearest the transcript's 3' end. VCF-style (leftmost placement, unchanged base first): chr4-102606593-ACT-A. GRCh37 (hg19) VCF-style: chr4-103527750-ACT-A.
Other names: c.1850_1851del, p.Ser617fs (NM_001165412.2, NM_001319226.2, NM_001382627.1); c.1853_1854del, p.Ser618fs (NM_001382625.1, NM_001382626.1); c.1811_1812del, p.Ser604fs (NM_001382628.1); c.1853_1854delCT (NM_003998.3); short protein forms S617fs, S604fs, S618fs.
Identifiers: ClinVar variation 1437606 (VCV001437606.7), dbSNP rs1465687986, ClinGen allele CA784574062.

ClinVar aggregate classification (germline): Pathogenic/Likely pathogenic. Review status: criteria provided, multiple submitters, no conflicts (2 of 4 stars). 2 submissions from 2 submitters: Pathogenic (1); Likely pathogenic (1). Last evaluated 2026-05-28.

Conditions:
NFKB1-related disorder. Also called: NFKB1-related condition.

Submissions (2):

PreventionGenetics, part of Exact Sciences
Classification: Likely pathogenic for NFKB1-related condition. Last evaluated: 2026-05-28. Review status: criteria provided, single submitter. Criteria: ACMG Guidelines, 2015. Collection method: clinical testing. Allele origin: germline.
Comment: The NFKB1 c.1853_1854delCT variant is predicted to result in a frameshift and premature protein termination (p.Ser618Cysfs*11). To our knowledge, this variant has not been reported in the literature or in a large population database (gnomAD), indicating this variant is rare. Frameshift variants in NFKB1 are expected to be pathogenic. This variant is interpreted as likely pathogenic.

Labcorp Genetics (formerly Invitae), Labcorp
Classification: Pathogenic. Last evaluated: 2022-10-25. Review status: criteria provided, single submitter. Criteria: Invitae Variant Classification Sherloc (09022015). Collection method: clinical testing. Allele origin: germline.
Comment: Algorithms developed to predict the effect of sequence changes on RNA splicing suggest that this variant may create or strengthen a splice site. This variant has not been reported in the literature in individuals affected with NFKB1-related conditions. This variant is not present in population databases (gnomAD no frequency). This sequence change creates a premature translational stop signal (p.Ser618Cysfs*11) in the NFKB1 gene. It is expected to result in an absent or disrupted protein product. Loss-of-function variants in NFKB1 are known to be pathogenic (PMID: 26279205, 29477724). For these reasons, this variant has been classified as Pathogenic.

Literature cited by the submitters: PubMed 26279205 (cited by Labcorp Genetics (formerly Invitae), Labcorp); PubMed 29477724 (cited by Labcorp Genetics (formerly Invitae), Labcorp).